The following is an entry in ClinVar:

NM_198253.3(TERT):c.1614G>T (p.Glu538Asp)

Gene: TERT (telomerase reverse transcriptase; minus strand). Cytogenetic location: 5p15.33.
Variant type: single nucleotide variant.
Coding change: c.1614G>T on transcript NM_198253.3 (MANE Select); coding-DNA position 1614, G replaced by T.
Protein change: p.Glu538Asp; replaces glutamic acid 538 with aspartic acid.
Molecular consequence: missense variant. On other transcripts: non-coding transcript variant (2).
Genome position (GRCh38, 1-based): chr5:1,282,584, C>A on the plus strand (G>T on the coding strand, the complement: TERT is on the minus strand). VCF-style: chr5-1282584-C-A. GRCh37 (hg19) VCF-style: chr5-1282699-C-A.
Other names: c.1614G>T, p.Glu538Asp (NM_001193376.3); short protein forms E538D.
Identifiers: ClinVar variation 4865467 (VCV004865467.1).
Genomic context (GRCh38, chr5:1,282,584, plus strand): 5'-CCTGAGCAGCTCGACGACGTACACACTCATCAGCCAGTGCAGGAACTTGGCCAGGATCTC[C>A]TCACGCAGACGGTGCTCTGCGGCCGGAACACAGCCAACCCCTTAAACGAGAAGGACATGC-3'
Protein context (NP_937983.2, residues 528-548): CVPAAEHRLR[Glu538Asp]EILAKFLHWL

ClinVar aggregate classification (germline): Uncertain significance (1 of 4 stars; one submission).

Conditions:
Dyskeratosis congenita. Identifiers: Orphanet 1775, MedGen C0265965, MONDO:0015780.

Submission:

Ambry Genetics
Classification: Uncertain significance for Dyskeratosis congenita. Last evaluated: 2026-04-20. Review status: criteria provided, single submitter. Criteria: Ambry Variant Classification Scheme 2023. Collection method: clinical testing. Allele origin: germline.
Comment: The p.E538D variant (also known as c.1614G>T), located in coding exon 3 of the TERT gene, results from a G to T substitution at nucleotide position 1614. The glutamic acid at codon 538 is replaced by aspartic acid, an amino acid with highly similar properties. This amino acid position is conserved. In addition, this alteration is predicted to be tolerated by in silico analysis. Based on the available evidence, the clinical significance of this variant remains unclear.